The following is an entry in ClinVar:

NM_022455.5(NSD1):c.2408C>G (p.Pro803Arg)

Gene: NSD1 (nuclear receptor binding SET domain protein 1; plus strand). Cytogenetic location: 5q35.3.
Variant type: single nucleotide variant.
Coding change: c.2408C>G on transcript NM_022455.5 (MANE Select); coding-DNA position 2408, C replaced by G.
Protein change: p.Pro803Arg; replaces proline 803 with arginine.
Molecular consequence: missense variant.
Genome position (GRCh38, 1-based): chr5:177,210,807, C>G. VCF-style: chr5-177210807-C-G. GRCh37 (hg19) VCF-style: chr5-176637808-C-G.
Other names: c.1535C>G, p.Pro512Arg (NM_001365684.2, NM_001409306.1, NM_001409307.1 and 3 more transcripts); c.2408C>G, p.Pro803Arg (NM_001409301.1, NM_001409302.1, NM_001409303.1); c.1988C>G, p.Pro663Arg (NM_001409304.1); c.1655C>G, p.Pro552Arg (NM_001409305.1); short protein forms P534R, P803R, P512R, P552R, P663R.
Identifiers: ClinVar variation 1699561 (VCV001699561.2), dbSNP rs1763279245, ClinGen allele CA362317695.
Genomic context (GRCh38, chr5:177,210,807, plus strand): 5'-AACAGCCCAAGTTCCGAAGTATAAAGTGCAAACACAAAGAAAATCCAGTTATGGCAGAAC[C>G]CCCAGTTATAAATGAGGAGTGCAGTTTGAAATGCTGCTCTTCTGATACCAAAGGCTCTCC-3'
Protein context (NP_071900.2, residues 793-813): KHKENPVMAE[Pro803Arg]PVINEECSLK

ClinVar aggregate classification (germline): Uncertain significance (1 of 4 stars; one submission).

Allele frequency attached by ClinVar (database versions not stated): TOPMed 0.00001.

Submission:

GeneDx
Classification: Uncertain significance. Last evaluated: 2022-01-28. Review status: criteria provided, single submitter. Criteria: GeneDx Variant Classification Process June 2021. Collection method: clinical testing. Allele origin: germline. Affected: yes.
Comment: Not observed at significant frequency in large population cohorts (gnomAD); In silico analysis supports that this missense variant does not alter protein structure/function; Has not been previously published as pathogenic or benign to our knowledge